The following is an entry in ClinVar:

NC_000014.8:g.(?_76446865)_(76447236_?)del

Gene: TGFB3 (transforming growth factor beta 3; minus strand). Cytogenetic location: 14q24.3.
Variant type: Deletion.
Identifiers: ClinVar variation 3244031 (VCV003244031.1).

ClinVar aggregate classification (germline): Pathogenic (1 of 4 stars; one submission).

Conditions:
Rienhoff syndrome. Also called: LOEYS-DIETZ SYNDROME 5. Identifiers: MedGen C3810012, MONDO:0014262, OMIM 615582.

Submission:

Labcorp Genetics (formerly Invitae), Labcorp
Classification: Pathogenic for Rienhoff syndrome. Last evaluated: 2023-08-01. Review status: criteria provided, single submitter. Criteria: Invitae Variant Classification Sherloc (09022015). Collection method: clinical testing. Allele origin: unknown.
Comment: For these reasons, this variant has been classified as Pathogenic. This variant has not been reported in the literature in individuals affected with TGFB3-related conditions. This variant is a gross deletion of the genomic region encompassing exon(s) 1 of the TGFB3 gene, which includes the initiator codon. This deletion extends beyond the assayed region for this gene and therefore may encompass additional genes. It is expected to result in an absent or disrupted protein product. Loss-of-function variants in TGFB3 are known to be pathogenic (PMID: 25835445, 26188975).

Literature cited by the submitters: PubMed 25835445; PubMed 26188975.